The following is an entry in ClinVar:

ClinVar aggregate classification (germline): Uncertain significance. Review status: criteria provided, multiple submitters, no conflicts (2 of 4 stars). 3 submissions from 3 submitters: Uncertain significance (3). Last evaluated 2024-04-11.

Conditions:
Cystic fibrosis (CF). Also called: MUCOVISCIDOSIS. Identifiers: Orphanet 586, MedGen C0010674, MONDO:0009061, OMIM 219700. Disease mechanism: loss of function.

Allele frequency attached by ClinVar (database versions not stated): gnomAD 0.00002; ESP Exome Variant Server 0.00008; TOPMed 0.00001.
gnomAD v4.1: 19 of 1,612,684 alleles (0.0012%); highest among the groups gnomAD compares: African/African-American, 0.0093%; no homozygotes.

Submissions (3):

Labcorp Genetics (formerly Invitae), Labcorp
Classification: Uncertain significance for Cystic fibrosis. Last evaluated: 2024-04-11. Review status: criteria provided, single submitter. Criteria: Invitae Variant Classification Sherloc (09022015). Collection method: clinical testing. Allele origin: germline.
Comment: This sequence change replaces tyrosine, which is neutral and polar, with histidine, which is basic and polar, at codon 38 of the CFTR protein (p.Tyr38His). This variant is present in population databases (rs373112861, gnomAD 0.01%). This variant has not been reported in the literature in individuals affected with CFTR-related conditions. ClinVar contains an entry for this variant (Variation ID: 1728049). Advanced modeling of protein sequence and biophysical properties (such as structural, functional, and spatial information, amino acid conservation, physicochemical variation, residue mobility, and thermodynamic stability) performed at Invitae indicates that this missense variant is expected to disrupt CFTR protein function with a positive predictive value of 80%. In summary, the available evidence is currently insufficient to determine the role of this variant in disease. Therefore, it has been classified as a Variant of Uncertain Significance.

Women's Health and Genetics/Laboratory Corporation of America, LabCorp
Classification: Uncertain significance. Last evaluated: 2023-01-08. Review status: criteria provided, single submitter. Criteria: LabCorp Variant Classification Summary - May 2015. Collection method: clinical testing. Allele origin: germline.
Comment: Variant summary: CFTR c.112T>C (p.Tyr38His) results in a conservative amino acid change in the encoded protein sequence. Three of five in-silico tools predict a damaging effect of the variant on protein function. The variant allele was found at a frequency of 1.2e-05 in 250926 control chromosomes. The available data on variant occurrences in the general population are insufficient to allow any conclusion about variant significance. To our knowledge, no occurrence of c.112T>C in individuals affected with Cystic Fibrosis and no experimental evidence demonstrating its impact on protein function have been reported. One clinical diagnostic laboratory has submitted clinical-significance assessments for this variant to ClinVar after 2014 and classified the variant as uncertain significance. Based on the evidence outlined above, the variant was classified as uncertain significance.

Ambry Genetics
Classification: Uncertain significance for Cystic fibrosis. Last evaluated: 2020-12-11. Review status: criteria provided, single submitter. Criteria: Ambry Variant Classification Scheme 2023. Collection method: clinical testing. Allele origin: germline.
Comment: The p.Y38H variant (also known as c.112T>C), located in coding exon 2 of the CFTR gene, results from a T to C substitution at nucleotide position 112. The tyrosine at codon 38 is replaced by histidine, an amino acid with similar properties. This amino acid position is highly conserved in available vertebrate species. In addition, this alteration is predicted to be deleterious by in silico analysis. Since supporting evidence is limited at this time, the clinical significance of this alteration remains unclear.

Literature cited by the submitters: PubMed 25880441 (cited by Women's Health and Genetics/Laboratory Corporation of America, LabCorp).

NM_000492.4(CFTR):c.112T>C (p.Tyr38His)

Gene: CFTR (CF transmembrane conductance regulator; plus strand). Cytogenetic location: 7q31.2.
Variant type: single nucleotide variant.
Coding change: c.112T>C on transcript NM_000492.4 (MANE Select); coding-DNA position 112, T replaced by C.
Protein change: p.Tyr38His; replaces tyrosine 38 with histidine.
Molecular consequence: missense variant.
Genome position (GRCh38, 1-based): chr7:117,504,311, T>C. VCF-style: chr7-117504311-T-C. GRCh37 (hg19) VCF-style: chr7-117144365-T-C.
Other names: short protein forms Y38H.
Identifiers: ClinVar variation 1728049 (VCV001728049.6), dbSNP rs373112861, ClinGen allele CA4450637.